The following is an entry in ClinVar:

ClinVar aggregate classification (germline): Uncertain significance (1 of 4 stars; one submission).

gnomAD v4.1: 17 of 1,614,016 alleles (0.0011%); highest among the groups gnomAD compares: Middle Eastern, 0.016%; no homozygotes.

Submission:

GeneDx
Classification: Uncertain significance. Last evaluated: 2025-06-09. Review status: criteria provided, single submitter. Criteria: GeneDx Variant Classification Process June 2021. Collection method: clinical testing. Allele origin: germline. Affected: yes.
Comment: In silico analysis suggests that this missense variant does not alter protein structure/function; Has not been previously published as pathogenic or benign to our knowledge

NM_004817.4(TJP2):c.1334C>T (p.Thr445Met)

Gene: TJP2 (tight junction protein 2; plus strand). Cytogenetic location: 9q21.11.
Variant type: single nucleotide variant.
Coding change: c.1334C>T on transcript NM_004817.4 (MANE Select); coding-DNA position 1334, C replaced by T.
Protein change: p.Thr445Met; replaces threonine 445 with methionine.
Molecular consequence: missense variant.
Genome position (GRCh38, 1-based): chr9:69,227,995, C>T. VCF-style: chr9-69227995-C-T. GRCh37 (hg19) VCF-style: chr9-71842911-C-T.
Other names: c.1346C>T, p.Thr449Met (NM_001369875.1, NM_001170415.1, NM_001369874.1); c.1334C>T, p.Thr445Met (NM_201629.3, NM_001369872.1, NM_001369873.1); c.1265C>T, p.Thr422Met (NM_001170414.2, NM_001369871.1); c.1427C>T, p.Thr476Met (NM_001170416.2); c.1259C>T, p.Thr420Met (NM_001369870.1); short protein forms T420M, T422M, T445M, T449M, T476M.
Identifiers: ClinVar variation 4537948 (VCV004537948.1).